The following is an entry in ClinVar:

ClinVar aggregate classification (germline): Conflicting classifications of pathogenicity. Review status: criteria provided, conflicting classifications (1 of 4 stars). 4 submissions from 4 submitters: Uncertain significance (2); Likely benign (2). Last evaluated 2025-12-20.

Conditions:
Inborn genetic diseases. Identifiers: MedGen C0950123, MeSH D030342.
NOTCH3-related disorder. Also called: NOTCH3-related condition; NOTCH3-related disorders.

gnomAD v4.1: 53 of 1,539,570 alleles (0.0034%); highest among the groups gnomAD compares: Admixed American, 0.0039%; no homozygotes.

Submissions (4):

Labcorp Genetics (formerly Invitae), Labcorp
Classification: Likely benign. Last evaluated: 2025-12-20. Review status: criteria provided, single submitter. Criteria: Invitae Variant Classification Sherloc (09022015). Collection method: clinical testing. Allele origin: germline.

CeGaT Center for Human Genetics Tuebingen
Classification: Likely benign. Last evaluated: 2025-10-01. Review status: criteria provided, single submitter. Criteria: CeGaT Center For Human Genetics Tuebingen Variant Classification Criteria Version 2. Collection method: clinical testing. Allele origin: germline. Affected: yes. Observed: 1 variant allele.
Comment: NOTCH3: BP5

PreventionGenetics, part of Exact Sciences
Classification: Uncertain significance for NOTCH3-related condition. Last evaluated: 2024-10-31. Review status: criteria provided, single submitter. Criteria: ACMG Guidelines, 2015. Collection method: clinical testing. Allele origin: germline.
Comment: The NOTCH3 c.6520C>T variant is predicted to result in the amino acid substitution p.Arg2174Trp. To our knowledge, this variant has not been reported in the literature. This variant is reported in 0.0080% of alleles in individuals of East Asian descent in gnomAD. At this time, the clinical significance of this variant is uncertain due to the absence of conclusive functional and genetic evidence.

Ambry Genetics
Classification: Uncertain significance for Inborn genetic diseases. Last evaluated: 2024-10-24. Review status: criteria provided, single submitter. Criteria: Ambry Variant Classification Scheme 2023. Collection method: clinical testing. Allele origin: germline.

NM_000435.3(NOTCH3):c.6520C>T (p.Arg2174Trp)

Gene: NOTCH3 (notch receptor 3; minus strand). Cytogenetic location: 19p13.12.
Variant type: single nucleotide variant.
Coding change: c.6520C>T on transcript NM_000435.3 (MANE Select); coding-DNA position 6520, C replaced by T.
Protein change: p.Arg2174Trp; replaces arginine 2174 with tryptophan.
Molecular consequence: missense variant.
Genome position (GRCh38, 1-based): chr19:15,161,108, G>A on the plus strand (C>T on the coding strand, the complement: NOTCH3 is on the minus strand). VCF-style: chr19-15161108-G-A. GRCh37 (hg19) VCF-style: chr19-15271919-G-A.
Other names: short protein forms R2174W.
Identifiers: ClinVar variation 3406959 (VCV003406959.10).